The following is an entry in ClinVar:

ClinVar aggregate classification (germline): Uncertain significance (1 of 4 stars; one submission).

Submission:

Labcorp Genetics (formerly Invitae), Labcorp
Classification: Uncertain significance. Last evaluated: 2024-10-31. Review status: criteria provided, single submitter. Criteria: Invitae Variant Classification Sherloc (09022015). Collection method: clinical testing. Allele origin: germline.
Comment: This sequence change replaces tyrosine, which is neutral and polar, with cysteine, which is neutral and slightly polar, at codon 6 of the PNPT1 protein (p.Tyr6Cys). This variant is not present in population databases (gnomAD no frequency). This variant has not been reported in the literature in individuals affected with PNPT1-related conditions. Invitae Evidence Modeling of protein sequence and biophysical properties (such as structural, functional, and spatial information, amino acid conservation, physicochemical variation, residue mobility, and thermodynamic stability) indicates that this missense variant is not expected to disrupt PNPT1 protein function with a negative predictive value of 95%. In summary, the available evidence is currently insufficient to determine the role of this variant in disease. Therefore, it has been classified as a Variant of Uncertain Significance.

NM_033109.5(PNPT1):c.17A>G (p.Tyr6Cys)

Genes: PNPT1 (polyribonucleotide nucleotidyltransferase 1; minus strand), LOC129933771 (ATAC-STARR-seq lymphoblastoid active region 15786; plus strand). Cytogenetic location: 2p16.1.
Variant type: single nucleotide variant.
Coding change: c.17A>G on transcript NM_033109.5 (MANE Select); coding-DNA position 17, A replaced by G.
Protein change: p.Tyr6Cys; replaces tyrosine 6 with cysteine.
Molecular consequence: missense variant.
Genome position (GRCh38, 1-based): chr2:55,693,807, T>C on the plus strand (A>G on the coding strand, the complement: PNPT1 is on the minus strand). VCF-style: chr2-55693807-T-C. GRCh37 (hg19) VCF-style: chr2-55920942-T-C.
Other names: short protein forms Y6C.
Identifiers: ClinVar variation 3633980 (VCV003633980.2).